The following is an entry in ClinVar:

NM_012330.4(KAT6B):c.390G>C (p.Glu130Asp)

Gene: KAT6B (lysine acetyltransferase 6B; plus strand). Cytogenetic location: 10q22.2.
Variant type: single nucleotide variant.
Coding change: c.390G>C on transcript NM_012330.4 (MANE Select); coding-DNA position 390, G replaced by C.
Protein change: p.Glu130Asp; replaces glutamic acid 130 with aspartic acid.
Molecular consequence: missense variant. On other transcripts: 5 prime UTR variant (2).
Genome position (GRCh38, 1-based): chr10:74,843,247, G>C. VCF-style: chr10-74843247-G-C. GRCh37 (hg19) VCF-style: chr10-76603005-G-C.
Other names: c.390G>C, p.Glu130Asp (NM_001256468.2, NM_001256469.2, NM_001370132.1 and 10 more transcripts); c.-149G>C (NM_001370134.1, NM_001370135.1); short protein forms E130D.
Identifiers: ClinVar variation 4698019 (VCV004698019.1).

ClinVar aggregate classification (germline): Uncertain significance (1 of 4 stars; one submission).

Conditions:
Genitopatellar syndrome (GTPTS). Also called: ABSENT PATELLAE, SCROTAL HYPOPLASIA, RENAL ANOMALIES, FACIAL DYSMORPHISM, AND MENTAL RETARDATION; Genitopatellar syndrome (GPS). Identifiers: Orphanet 85201, MedGen C1853566, MONDO:0011640, OMIM 606170.

gnomAD v4.1: 2 of 1,614,204 alleles (0.00012%); highest among the groups gnomAD compares: Non-Finnish European, 0.00017%; no homozygotes.

Submission:

Labcorp Genetics (formerly Invitae), Labcorp
Classification: Uncertain significance for Genitopatellar syndrome. Last evaluated: 2025-10-03. Review status: criteria provided, single submitter. Criteria: Invitae Variant Classification Sherloc (09022015). Collection method: clinical testing. Allele origin: germline.
Comment: This sequence change replaces glutamic acid, which is acidic and polar, with aspartic acid, which is acidic and polar, at codon 130 of the KAT6B protein (p.Glu130Asp). This variant is not present in population databases (gnomAD no frequency). This variant has not been reported in the literature in individuals affected with KAT6B-related conditions. Invitae Evidence Modeling of protein sequence and biophysical properties (such as structural, functional, and spatial information, amino acid conservation, physicochemical variation, residue mobility, and thermodynamic stability) indicates that this missense variant is not expected to disrupt KAT6B protein function with a negative predictive value of 80%. In summary, the available evidence is currently insufficient to determine the role of this variant in disease. Therefore, it has been classified as a Variant of Uncertain Significance.